The following is an entry in ClinVar:

NM_005461.5(MAFB):c.458_475del (p.Asp153_His158del)

Gene: MAFB (MAF bZIP transcription factor B; minus strand). Cytogenetic location: 20q12.
Variant type: Deletion.
Coding change: c.458_475del on transcript NM_005461.5 (MANE Select); coding-DNA positions 458 to 475, 18 bases deleted (ACGAGCTGGGCCCGCACG).
Protein change: p.Asp153_His158del.
Molecular consequence: inframe deletion.
Genome position (GRCh38, 1-based): chr20:40,688,376-40,688,393, CGTGCGGGCCCAGCTCGT deleted on the plus strand (ACGAGCTGGGCCCGCACG on the coding strand, the reverse complement: MAFB is on the minus strand); deleting any 18 consecutive bases within chr20:40,688,376-40,688,397 gives the same sequence; the c. name uses the placement nearest the transcript's 3' end. VCF-style (leftmost placement, unchanged base first): chr20-40688375-GCGTGCGGGCCCAGCTCGT-G. GRCh37 (hg19) VCF-style: chr20-39317015-GCGTGCGGGCCCAGCTCGT-G.
Identifiers: ClinVar variation 4884131 (VCV004884131.2).
Genomic context (GRCh38, chr20:40,688,375, plus strand): 5'-GGGCTAGCGGCGCTGGACGGCGGCGGCGACGCTTGGTGATGATGGTGATGGTGCGGGTGA[GCGTGCGGGCCCAGCTCGT>G]CGTGGGCCACGCCGGCGCCCGGGTACGCGTGGTGCGGGTGAGGGTGGTGGTGATGGTGGT-3'

ClinVar aggregate classification (germline): Uncertain significance (1 of 4 stars; one submission).

Conditions:
Multicentric carpo-tarsal osteolysis with or without nephropathy. Also called: MULTICENTRIC OSTEOLYSIS, AUTOSOMAL DOMINANT; Carnevale Canun Mendoza syndrome; Multicentric Osteolysis of Carpal Bones and Nephropathy; OSTEOLYSIS, HEREDITARY, OF CARPAL BONES WITH OR WITHOUT NEPHROPATHY; MULTICENTRIC CARPOTARSAL OSTEOLYSIS SYNDROME; Multicentric Carpotarsal Osteolysis with or without Nephropathy. Identifiers: Orphanet 2774, MedGen C2674705, MONDO:0008152, OMIM 166300.

Submission:

Dasa
Classification: Uncertain significance for multicentric carpo-tarsal osteolysis with or without nephropathy. Last evaluated: 2026-01-27. Review status: criteria provided, single submitter. Criteria: DASA Assertion Criteria. Collection method: clinical testing. Allele origin: germline.
Comment: NM_005461.5(MAFB):c.458_475del (p.Asp153_His158del) is an in-frame deletion predicted to remove amino acids from aspartic acid at protein position 153 through histidine at protein position 158 without shifting the reading frame. This variant is rare in population databases. The currently available literature and clinical evidence are not sufficient to establish a definitive association between this variant and the reported condition. Therefore, this variant is classified as a variant of uncertain significance.